The following is an entry in ClinVar:

ClinVar aggregate classification (germline): Uncertain significance. Review status: criteria provided, multiple submitters, no conflicts (2 of 4 stars). 3 submissions from 3 submitters: Uncertain significance (3). Last evaluated 2020-01-30.

Conditions:
Hereditary spastic paraplegia. Also called: Familial spastic paraparesis. Identifiers: Orphanet 685, MedGen C0037773, MONDO:0019064. Disease mechanism: loss of function.
Intellectual disability, autosomal dominant 9 (NESCAVS). Also called: KIF1A-Related Neurodevelopmental Disorder; NESCAV SYNDROME. Identifiers: Orphanet 662367, MedGen C5393830, MONDO:0013656, OMIM 614255.

Submissions (3):

Revvity Omics, Revvity
Classification: Uncertain significance. Last evaluated: 2020-01-30. Review status: criteria provided, single submitter. Criteria: ACMG Guidelines, 2015. Collection method: clinical testing. Allele origin: germline.

Genome Diagnostics Laboratory, The Hospital for Sick Children
Classification: Uncertain significance for Hereditary spastic paraplegia. Last evaluated: 2018-02-01. Review status: criteria provided, single submitter. Criteria: ACMG Guidelines, 2015. Collection method: clinical testing. Allele origin: germline. Affected: yes.

Neuberg Centre For Genomic Medicine, NCGM
Classification: Uncertain significance for Intellectual disability, autosomal dominant 9. Review status: criteria provided, single submitter. Criteria: ACMG Guidelines, 2015. Collection method: clinical testing. Allele origin: germline. Inheritance: Autosomal recessive inheritance. Affected: yes.
Comment: The observed missense c.182C>T(p.Ser61Leu) variant in KIF1A gene has not been reported previously as a pathogenic variant nor as a benign variant, to our knowledge. The p.Ser61Leu variant is absent in gnomAD Exomes. This variant has been submitted to the ClinVar database as Uncertain significance. The amino acid change p.Ser61Leu in KIF1A is predicted as conserved by GERP++ and PhyloP across 100 vertebrates. The amino acid Ser at position 61 is changed to a Leu changing protein sequence and it might alter its composition and physico-chemical properties. For these reasons, this variant has been classified as Variant of Uncertain Significance (VUS).

NM_001244008.2(KIF1A):c.182C>T (p.Ser61Leu)

Gene: KIF1A (kinesin family member 1A; minus strand). Cytogenetic location: 2q37.3.
Variant type: single nucleotide variant.
Coding change: c.182C>T on transcript NM_001244008.2 (MANE Select); coding-DNA position 182, C replaced by T.
Protein change: p.Ser61Leu; replaces serine 61 with leucine.
Molecular consequence: missense variant.
Genome position (GRCh38, 1-based): chr2:240,789,237, G>A on the plus strand (C>T on the coding strand, the complement: KIF1A is on the minus strand). VCF-style: chr2-240789237-G-A. GRCh37 (hg19) VCF-style: chr2-241728654-G-A.
Other names: c.182C>T, p.Ser61Leu (NM_001320705.2, NM_001330289.2, NM_001330290.2 and 20 more transcripts); short protein forms S61L.
Identifiers: ClinVar variation 1344374 (VCV001344374.8), dbSNP rs2126098498, ClinGen allele CA351311666.